The following is an entry in ClinVar:

NM_152348.4(WDR81):c.-131C>T

Gene: WDR81 (WD repeat domain 81; plus strand). Cytogenetic location: 17p13.3.
Variant type: single nucleotide variant.
Coding change: c.-131C>T on transcript NM_152348.4; 131 bases upstream of the start codon, C replaced by T.
Molecular consequence: 5 prime UTR variant. On other transcripts: synonymous variant (1).
Genome position (GRCh38, 1-based): chr17:1,716,626, C>T. VCF-style: chr17-1716626-C-T. GRCh37 (hg19) VCF-style: chr17-1619920-C-T.
Other names: c.51C>T, p.Ser17= (NM_001163673.2).
Identifiers: ClinVar variation 2578776 (VCV002578776.24), dbSNP rs201917309, ClinGen allele CA8272959.

ClinVar aggregate classification (germline): Likely benign. Review status: criteria provided, multiple submitters, no conflicts (2 of 4 stars). 2 submissions from 2 submitters: Likely benign (2). Last evaluated 2026-07-01.

Allele frequency attached by ClinVar (database versions not stated): ExAC 0.00129; TOPMed 0.00184; 1000 Genomes Project 0.00100; 1000 Genomes Project 30x 0.00109; ESP Exome Variant Server 0.00263.
gnomAD v4.1: 4,995 of 1,551,704 alleles (0.32%); highest among the groups gnomAD compares: Non-Finnish European, 0.38%; 6 homozygotes.

Submissions (2):

CeGaT Center for Human Genetics Tuebingen
Classification: Likely benign. Last evaluated: 2026-07-01. Review status: criteria provided, single submitter. Criteria: CeGaT Center For Human Genetics Tuebingen Variant Classification Criteria Version 2. Collection method: clinical testing. Allele origin: germline. Affected: yes. Observed: 24 variant alleles.
Comment: WDR81: BP4, BP7

Blueprint Genetics
Classification: Likely benign. Last evaluated: 2024-11-07. Review status: criteria provided, single submitter. Criteria: ACMG Guidelines, 2015. Collection method: clinical testing. Allele origin: germline.